The following is an entry in ClinVar:

NM_006922.4(SCN3A):c.2520T>C (p.Gly840=)

Gene: SCN3A (sodium voltage-gated channel alpha subunit 3; minus strand). Cytogenetic location: 2q24.3.
Variant type: single nucleotide variant.
Coding change: c.2520T>C on transcript NM_006922.4 (MANE Select); coding-DNA position 2520, T replaced by C.
Protein change: p.Gly840=; no amino-acid change (glycine 840 retained).
Molecular consequence: synonymous variant.
Genome position (GRCh38, 1-based): chr2:165,131,289, A>G on the plus strand (T>C on the coding strand, the complement: SCN3A is on the minus strand). VCF-style: chr2-165131289-A-G. GRCh37 (hg19) VCF-style: chr2-165987799-A-G.
Other names: c.2373T>C, p.Gly791= (NM_001081676.2, NM_001081677.2); c.2520T>C (NM_006922.3).
Identifiers: ClinVar variation 1537545 (VCV001537545.10), dbSNP rs753924895, ClinGen allele CA1938945.

ClinVar aggregate classification (germline): Likely benign. Review status: criteria provided, single submitter (1 of 4 stars). 2 submissions from 2 submitters: Likely benign (1). 1 of the submissions does not count toward it. Last evaluated 2025-12-05.

Conditions:
SCN3A-related disorder. Also called: SCN3A-related condition.

Allele frequency attached by ClinVar (database versions not stated): gnomAD exomes 0.00001 and 0.00003; TOPMed 0.00001; ExAC 0.00001.

Submissions (2):

Labcorp Genetics (formerly Invitae), Labcorp
Classification: Likely benign. Last evaluated: 2025-12-05. Review status: criteria provided, single submitter. Criteria: Invitae Variant Classification Sherloc (09022015). Collection method: clinical testing. Allele origin: germline.

PreventionGenetics, part of Exact Sciences
Classification: Likely benign for SCN3A-related condition. Last evaluated: 2019-05-28. Review status: no assertion criteria provided. Collection method: clinical testing. Allele origin: germline. Not counted in ClinVar's aggregate classification.
Comment: This variant is classified as likely benign based on ACMG/AMP sequence variant interpretation guidelines (Richards et al. 2015 PMID: 25741868, with internal and published modifications).